The following is an entry in ClinVar:

NM_000260.4(MYO7A):c.3098dup (p.Gly1033_Asp1034insTer)

Gene: MYO7A (myosin VIIA; plus strand). Cytogenetic location: 11q13.5.
Variant type: Duplication.
Coding change: c.3098dup on transcript NM_000260.4 (MANE Select); coding-DNA position 3098, one base duplicated (G; older notation c.3098dupG).
Protein change: p.Gly1033_Asp1034insTer.
Molecular consequence: frameshift variant.
Genome position (GRCh38, 1-based): chr11:77,182,144, G duplicated; the last of 3 consecutive G bases (chr11:77,182,142-77,182,144); duplicating any one gives the same sequence. VCF-style (leftmost placement, unchanged base first): chr11-77182141-A-AG. GRCh37 (hg19) VCF-style: chr11-76893187-A-AG.
Other names: c.3098dup, p.Gly1033_Asp1034insTer (NM_001127180.2); c.3065dup, p.Gly1022_Asp1023insTer (NM_001369365.1).
Identifiers: ClinVar variation 1994051 (VCV001994051.4), dbSNP rs2497224456, ClinGen allele CA2580084978.
Genomic context (GRCh38, chr11:77,182,141, plus strand): 5'-CAACCACGCACTCCTACACCCGGCGGCCACTCAAACAGCCACTGCTCTACCATGACGACG[A>AG]GGGTGACCAGCTGGTAAGGCCTGCCTGTCACTAGGTCACTGCTGGGTGGGGCCAGGGCTG-3'

ClinVar aggregate classification (germline): Pathogenic (1 of 4 stars; one submission).

Submission:

Labcorp Genetics (formerly Invitae), Labcorp
Classification: Pathogenic. Last evaluated: 2022-11-12. Review status: criteria provided, single submitter. Criteria: Invitae Variant Classification Sherloc (09022015). Collection method: clinical testing. Allele origin: germline.
Comment: This sequence change creates a premature translational stop signal (p.Asp1034*) in the MYO7A gene. It is expected to result in an absent or disrupted protein product. Loss-of-function variants in MYO7A are known to be pathogenic (PMID: 8900236, 25404053). This variant is not present in population databases (gnomAD no frequency). This variant has not been reported in the literature in individuals affected with MYO7A-related conditions. For these reasons, this variant has been classified as Pathogenic.

Literature cited by the submitters: PubMed 8900236; PubMed 25404053.